The following is an entry in ClinVar:

NM_000179.3(MSH6):c.1466C>A (p.Pro489Gln)

Gene: MSH6 (mutS homolog 6; plus strand). Cytogenetic location: 2p16.3.
Variant type: single nucleotide variant.
Coding change: c.1466C>A on transcript NM_000179.3 (MANE Select); coding-DNA position 1466, C replaced by A.
Protein change: p.Pro489Gln; replaces proline 489 with glutamine.
Molecular consequence: missense variant.
Genome position (GRCh38, 1-based): chr2:47,799,449, C>A. VCF-style: chr2-47799449-C-A. GRCh37 (hg19) VCF-style: chr2-48026588-C-A.
Other names: c.1076C>A, p.Pro359Gln (NM_001281492.2); c.560C>A, p.Pro187Gln (NM_001281493.2, NM_001281494.2, NM_001406811.1 and 6 more transcripts); c.1562C>A, p.Pro521Gln (NM_001406795.1, NM_001406802.1); c.1466C>A, p.Pro489Gln (NM_001406796.1, NM_001406798.1, NM_001406800.1 and 4 more transcripts); c.1169C>A, p.Pro390Gln (NM_001406797.1, NM_001406801.1, NM_001406805.1 and 10 more transcripts); c.941C>A, p.Pro314Gln (NM_001406799.1, NM_001406806.1, NM_001406807.1); c.1388C>A, p.Pro463Gln (NM_001406804.1); c.1472C>A, p.Pro491Gln (NM_001406813.1); and 1 more; short protein forms P187Q, P314Q, P359Q, P390Q, P433Q, P463Q, P489Q, P491Q.
Identifiers: ClinVar variation 1803576 (VCV001803576.1), dbSNP rs1669334912, ClinGen allele CA346745839.

ClinVar aggregate classification (germline): Uncertain significance (1 of 4 stars; one submission).

Submission:

GeneDx
Classification: Uncertain significance. Last evaluated: 2022-06-07. Review status: criteria provided, single submitter. Criteria: GeneDx Variant Classification Process June 2021. Collection method: clinical testing. Allele origin: germline. Affected: yes.
Comment: Not observed at significant frequency in large population cohorts (gnomAD); In silico analysis supports that this missense variant has a deleterious effect on protein structure/function; Has not been previously published as pathogenic or benign to our knowledge; This variant is associated with the following publications: (PMID: 17531815, 21120944)